The following is an entry in ClinVar:

ClinVar aggregate classification (germline): Uncertain significance. Review status: criteria provided, multiple submitters, no conflicts (2 of 4 stars). 2 submissions from 2 submitters: Uncertain significance (2). Last evaluated 2026-07-13.

Conditions:
RAI1-related disorder. Also called: RAI1-related condition.

gnomAD v4.1: 8 of 1,612,166 alleles (0.0005%); highest among the groups gnomAD compares: Non-Finnish European, 0.00068%; no homozygotes.

Submissions (2):

PreventionGenetics, part of Exact Sciences
Classification: Uncertain significance for RAI1-related condition. Last evaluated: 2026-07-13. Review status: criteria provided, single submitter. Criteria: ACMG Guidelines, 2015. Collection method: clinical testing. Allele origin: germline.
Comment: The RAI1 c.4373T>G variant is predicted to result in the amino acid substitution p.Leu1458Arg. To our knowledge, this variant has not been reported in the literature. This variant is reported in 0.0036% of alleles in individuals of European (Non-Finnish) descent in gnomAD. At this time, the clinical significance of this variant is uncertain due to the absence of conclusive functional and genetic evidence.

Women's Health and Genetics/Laboratory Corporation of America, LabCorp
Classification: Uncertain significance. Last evaluated: 2025-11-18. Review status: criteria provided, single submitter. Criteria: LabCorp Variant Classification Summary - May 2015. Collection method: clinical testing. Allele origin: germline.
Comment: Variant summary: RAI1 c.4373T>G (p.Leu1458Arg) results in a non-conservative amino acid change in the encoded protein sequence. Algorithms developed to predict the effect of missense changes on protein structure and function are either unavailable or do not agree on the potential impact of this missense change. The variant allele was found at a frequency of 1.6e-05 in 245332 control chromosomes. The available data on variant occurrences in the general population are insufficient to allow any conclusion about variant significance. To our knowledge, no occurrence of c.4373T>G in individuals affected with RAI1-related conditions and no experimental evidence demonstrating its impact on protein function have been reported. ClinVar contains an entry for this variant (Variation ID: 3357160). Based on the evidence outlined above, the variant was classified as uncertain significance.

NM_030665.4(RAI1):c.4373T>G (p.Leu1458Arg)

Gene: RAI1 (retinoic acid induced 1; plus strand). Cytogenetic location: 17p11.2.
Variant type: single nucleotide variant.
Coding change: c.4373T>G on transcript NM_030665.4 (MANE Select); coding-DNA position 4373, T replaced by G.
Protein change: p.Leu1458Arg; replaces leucine 1458 with arginine.
Molecular consequence: missense variant.
Genome position (GRCh38, 1-based): chr17:17,797,321, T>G. VCF-style: chr17-17797321-T-G. GRCh37 (hg19) VCF-style: chr17-17700635-T-G.
Other names: short protein forms L1458R.
Identifiers: ClinVar variation 3357160 (VCV003357160.3).